The following is an entry in ClinVar:

NM_001122630.2(CDKN1C):c.412C>T (p.Pro138Ser)

Gene: CDKN1C (cyclin dependent kinase inhibitor 1C; minus strand). Cytogenetic location: 11p15.4.
Variant type: single nucleotide variant.
Coding change: c.412C>T on transcript NM_001122630.2 (MANE Select); coding-DNA position 412, C replaced by T.
Protein change: p.Pro138Ser; replaces proline 138 with serine.
Molecular consequence: missense variant. On other transcripts: intron variant (1).
Genome position (GRCh38, 1-based): chr11:2,885,045, G>A on the plus strand (C>T on the coding strand, the complement: CDKN1C is on the minus strand). VCF-style: chr11-2885045-G-A. GRCh37 (hg19) VCF-style: chr11-2906275-G-A.
Other names: c.445C>T, p.Pro149Ser (LRG_533t1, NM_000076.2, NM_001362474.2); c.412C>T, p.Pro138Ser (NM_001122631.2); c.255+157C>T (NM_001362475.2); short protein forms P138S, P149S.
Identifiers: ClinVar variation 647181 (VCV000647181.10), dbSNP rs1590150454, ClinGen allele CA379146681.

ClinVar aggregate classification (germline): Uncertain significance (1 of 4 stars; one submission).

Conditions:
Beckwith-Wiedemann syndrome (BWS). Also called: Exomphalos macroglossia gigantism syndrome; EMG SYNDROME. Identifiers: Orphanet 116, MedGen C0004903, MONDO:0007534, OMIM 130650.

Allele frequency attached by ClinVar (database versions not stated): gnomAD exomes below 0.00001; TOPMed below 0.00001.
gnomAD v4.1: 5 of 1,334,304 alleles (0.00037%); highest among the groups gnomAD compares: Admixed American, 0.0041%; no homozygotes.

Submission:

Labcorp Genetics (formerly Invitae), Labcorp
Classification: Uncertain significance for Beckwith-Wiedemann syndrome. Last evaluated: 2024-10-31. Review status: criteria provided, single submitter. Criteria: Invitae Variant Classification Sherloc (09022015). Collection method: clinical testing. Allele origin: germline.
Comment: This sequence change replaces proline, which is neutral and non-polar, with serine, which is neutral and polar, at codon 149 of the CDKN1C protein (p.Pro149Ser). This variant is not present in population databases (gnomAD no frequency). This variant has not been reported in the literature in individuals affected with CDKN1C-related conditions. ClinVar contains an entry for this variant (Variation ID: 647181). Experimental studies and prediction algorithms are not available or were not evaluated, and the functional significance of this variant is currently unknown. In summary, the available evidence is currently insufficient to determine the role of this variant in disease. Therefore, it has been classified as a Variant of Uncertain Significance.